The following is an entry in ClinVar:

NM_002206.3(ITGA7):c.2276del (p.Gln759fs)

Genes: ITGA7 (integrin subunit alpha 7; minus strand), LOC126861535 (CDK7 strongly-dependent group 2 enhancer GRCh37_chr12:56087579-56088778; plus strand). Cytogenetic location: 12q13.2.
Variant type: Deletion.
Coding change: c.2276del on transcript NM_002206.3 (MANE Select); coding-DNA position 2276, one base deleted (A; older notation c.2276delA).
Protein change: p.Gln759fs; shifts the reading frame from glutamine 759.
Molecular consequence: frameshift variant.
Genome position (GRCh38, 1-based): chr12:55,694,616, T deleted on the plus strand (A on the coding strand, the reverse complement: ITGA7 is on the minus strand). VCF-style (leftmost placement, unchanged base first): chr12-55694615-CT-C. GRCh37 (hg19) VCF-style: chr12-56088399-CT-C.
Other names: c.2288del, p.Gln763fs (NM_001144996.2); c.1997del, p.Gln666fs (NM_001144997.2); c.1949del, p.Gln650fs (NM_001367993.1); c.932del, p.Gln311fs (NM_001367994.1); c.2258del, p.Gln753fs (NM_001374465.1); c.2408del, p.Gln803fs (NM_001410977.1); c.2270del, p.Gln757fs (NM_001414029.1); c.2201del, p.Gln734fs (NM_001414030.1); and 5 more; short protein forms Q646fs, Q666fs, Q803fs, Q311fs, Q684fs, Q734fs, Q753fs, Q650fs.
Identifiers: ClinVar variation 2824329 (VCV002824329.3), dbSNP rs2539734963, ClinGen allele CA2739272080.

ClinVar aggregate classification (germline): Pathogenic (1 of 4 stars; one submission).

Conditions:
Congenital muscular dystrophy due to integrin alpha-7 deficiency. Also called: MYOPATHY, CONGENITAL, DUE TO INTEGRIN ALPHA-7 DEFICIENCY; Congenital muscular dystrophy with integrin alpha-7 deficiency; Muscular dystrophy, congenital, due to ITGA7 deficiency. Identifiers: Orphanet 34520, MedGen C2750786, MONDO:0013177, OMIM 613204.

Submission:

Labcorp Genetics (formerly Invitae), Labcorp
Classification: Pathogenic for Congenital muscular dystrophy due to integrin alpha-7 deficiency. Last evaluated: 2022-12-26. Review status: criteria provided, single submitter. Criteria: Invitae Variant Classification Sherloc (09022015). Collection method: clinical testing. Allele origin: germline.
Comment: For these reasons, this variant has been classified as Pathogenic. Algorithms developed to predict the effect of sequence changes on RNA splicing suggest that this variant may disrupt the consensus splice site. This variant has not been reported in the literature in individuals affected with ITGA7-related conditions. This variant is not present in population databases (gnomAD no frequency). This sequence change creates a premature translational stop signal (p.Gln759Argfs*22) in the ITGA7 gene. It is expected to result in an absent or disrupted protein product. Loss-of-function variants in ITGA7 are known to be pathogenic (PMID: 9590299).

Literature cited by the submitters: PubMed 9590299.